The following is an entry in ClinVar:

NM_001170629.2(CHD8):c.1157C>A (p.Pro386Gln)

Gene: CHD8 (chromodomain helicase DNA binding protein 8; minus strand). Cytogenetic location: 14q11.2.
Variant type: single nucleotide variant.
Coding change: c.1157C>A on transcript NM_001170629.2 (MANE Select); coding-DNA position 1157, C replaced by A.
Protein change: p.Pro386Gln; replaces proline 386 with glutamine.
Molecular consequence: missense variant.
Genome position (GRCh38, 1-based): chr14:21,429,022, G>T on the plus strand (C>A on the coding strand, the complement: CHD8 is on the minus strand). VCF-style: chr14-21429022-G-T. GRCh37 (hg19) VCF-style: chr14-21897181-G-T.
Other names: c.320C>A, p.Pro107Gln (NM_020920.4); short protein forms P107Q, P386Q.
Identifiers: ClinVar variation 1303798 (VCV001303798.2), dbSNP rs966883163, ClinGen allele CA257556987.

ClinVar aggregate classification (germline): Uncertain significance (1 of 4 stars; one submission).

Submission:

GeneDx
Classification: Uncertain significance. Last evaluated: 2020-01-17. Review status: criteria provided, single submitter. Criteria: GeneDx Variant Classification Process June 2021. Collection method: clinical testing. Allele origin: germline. Affected: yes.
Comment: Not observed in large population cohorts (Lek et al., 2016); In silico analysis, which includes protein predictors and evolutionary conservation, supports that this variant does not alter protein structure/function; Has not been previously published as pathogenic or benign to our knowledge